The following is an entry in ClinVar:

ClinVar aggregate classification (germline): Uncertain significance. Review status: criteria provided, multiple submitters, no conflicts (2 of 4 stars). 3 submissions from 3 submitters: Uncertain significance (3). Last evaluated 2024-04-30.

Conditions:
Idiopathic generalized epilepsy. Also called: Generalised epilepsy; EIG. Identifiers: MedGen C0270850, MONDO:0005579, OMIM 600669.
Hyperaldosteronism, familial, type IV (HALD4). Also called: FH IV; ALDOSTERONISM, PRIMARY, AND HYPERTENSION. Identifiers: Orphanet 642671, MedGen C4310756, MONDO:0014875, OMIM 617027.
Epilepsy, childhood absence, susceptibility to, 6. Identifiers: Orphanet 64280, MedGen C2749872, MONDO:0012763, OMIM 611942.
Inborn genetic diseases. Identifiers: MedGen C0950123, MeSH D030342.

Allele frequency attached by ClinVar (database versions not stated): TOPMed 0.00001; gnomAD 0.00002.
gnomAD v4.1: 12 of 1,593,724 alleles (0.00075%); highest among the groups gnomAD compares: African/African-American, 0.0013%; no homozygotes.

Submissions (3):

Fulgent Genetics
Classification: Uncertain significance for Epilepsy, childhood absence, susceptibility to, 6; Hyperaldosteronism, familial, type IV. Last evaluated: 2024-04-30. Review status: criteria provided, single submitter. Criteria: ACMG Guidelines, 2015. Collection method: clinical testing. Allele origin: germline.

Ambry Genetics
Classification: Uncertain significance for Inborn genetic diseases. Last evaluated: 2024-02-12. Review status: criteria provided, single submitter. Criteria: Ambry Variant Classification Scheme 2023. Collection method: clinical testing. Allele origin: germline.

Labcorp Genetics (formerly Invitae), Labcorp
Classification: Uncertain significance for Idiopathic generalized epilepsy; Hyperaldosteronism, familial, type IV. Last evaluated: 2023-09-01. Review status: criteria provided, single submitter. Criteria: Invitae Variant Classification Sherloc (09022015). Collection method: clinical testing. Allele origin: germline.
Comment: This variant is not present in population databases (gnomAD no frequency). This sequence change replaces proline, which is neutral and non-polar, with serine, which is neutral and polar, at codon 1088 of the CACNA1H protein (p.Pro1088Ser). This variant has not been reported in the literature in individuals affected with CACNA1H-related conditions. Advanced modeling of protein sequence and biophysical properties (such as structural, functional, and spatial information, amino acid conservation, physicochemical variation, residue mobility, and thermodynamic stability) performed at Invitae indicates that this missense variant is expected to disrupt CACNA1H protein function. In summary, the available evidence is currently insufficient to determine the role of this variant in disease. Therefore, it has been classified as a Variant of Uncertain Significance.

NM_021098.3(CACNA1H):c.3262C>T (p.Pro1088Ser)

Gene: CACNA1H (calcium voltage-gated channel subunit alpha1 H; plus strand). Cytogenetic location: 16p13.3.
Variant type: single nucleotide variant.
Coding change: c.3262C>T on transcript NM_021098.3 (MANE Select); coding-DNA position 3262, C replaced by T.
Protein change: p.Pro1088Ser; replaces proline 1088 with serine.
Molecular consequence: missense variant.
Genome position (GRCh38, 1-based): chr16:1,208,120, C>T. VCF-style: chr16-1208120-C-T. GRCh37 (hg19) VCF-style: chr16-1258120-C-T.
Other names: c.3262C>T (NM_021098.2); c.3262C>T, p.Pro1088Ser (NM_001005407.2); short protein forms P1088S.
Identifiers: ClinVar variation 2929654 (VCV002929654.5), dbSNP rs1358707581, ClinGen allele CA394172063.